The following is an entry in ClinVar:

ClinVar aggregate classification (germline): Conflicting classifications of pathogenicity. Review status: criteria provided, conflicting classifications (1 of 4 stars). 2 submissions from 2 submitters: Uncertain significance (1); Likely benign (1). Last evaluated 2023-01-01.

Allele frequency attached by ClinVar (database versions not stated): ExAC 0.00007; gnomAD exomes 0.00008; ESP Exome Variant Server 0.00028; gnomAD 0.00042; TOPMed 0.00049.

Submissions (2):

CeGaT Center for Human Genetics Tuebingen
Classification: Likely benign. Last evaluated: 2023-01-01. Review status: criteria provided, single submitter. Criteria: CeGaT Center For Human Genetics Tuebingen Variant Classification Criteria Version 2. Collection method: clinical testing. Allele origin: germline. Affected: yes. Observed: 1 variant allele.
Comment: LRCH2: BS2; RBMXL3: BP4, BS2

Ambry Genetics
Classification: Uncertain significance. Last evaluated: 2021-08-17. Review status: criteria provided, single submitter. Criteria: Ambry Variant Classification Scheme 2023. Collection method: clinical testing. Allele origin: germline.

NM_001145346.2(RBMXL3):c.1574G>A (p.Arg525His)

Genes: RBMXL3 (RBMX like 3; plus strand), LRCH2 (leucine rich repeats and calponin homology domain containing 2; minus strand). Cytogenetic location: Xq23.
Variant type: single nucleotide variant.
Coding change: c.1574G>A on transcript NM_001145346.2 (MANE Select); coding-DNA position 1574, G replaced by A.
Protein change: p.Arg525His; replaces arginine 525 with histidine.
Molecular consequence: missense variant. On other transcripts: intron variant (2).
Genome position (GRCh38, 1-based): chrX:115,191,015, G>A. VCF-style: chrX-115191015-G-A. GRCh37 (hg19) VCF-style: chrX-114425578-G-A.
Other names: c.350-2645C>T (NM_001243963.2, NM_020871.4); short protein forms R525H.
Identifiers: ClinVar variation 2334100 (VCV002334100.26), dbSNP rs377123150, ClinGen allele CA10496316.